The following is an entry in ClinVar:

ClinVar aggregate classification (germline): Uncertain significance (1 of 4 stars; one submission).

Allele frequency attached by ClinVar (database versions not stated): gnomAD exomes below 0.00001.
gnomAD v4.1: 1 of 1,609,784 alleles (0.000062%); highest among the groups gnomAD compares: Non-Finnish European, 0.000085%; no homozygotes.

Submission:

Labcorp Genetics (formerly Invitae), Labcorp
Classification: Uncertain significance. Last evaluated: 2022-07-06. Review status: criteria provided, single submitter. Criteria: Invitae Variant Classification Sherloc (09022015). Collection method: clinical testing. Allele origin: germline.
Comment: This variant is not present in population databases (gnomAD no frequency). In summary, the available evidence is currently insufficient to determine the role of this variant in disease. Therefore, it has been classified as a Variant of Uncertain Significance. Algorithms developed to predict the effect of sequence changes on RNA splicing suggest that this variant may create or strengthen a splice site. Algorithms developed to predict the effect of missense changes on protein structure and function (SIFT, PolyPhen-2, Align-GVGD) all suggest that this variant is likely to be disruptive. ClinVar contains an entry for this variant (Variation ID: 1521560). This variant has not been reported in the literature in individuals affected with MPDZ-related conditions. This sequence change replaces alanine, which is neutral and non-polar, with glycine, which is neutral and non-polar, at codon 1790 of the MPDZ protein (p.Ala1790Gly).

NM_001378778.1(MPDZ):c.5369C>G (p.Ala1790Gly)

Gene: MPDZ (multiple PDZ domain crumbs cell polarity complex component; minus strand). Cytogenetic location: 9p23.
Variant type: single nucleotide variant.
Coding change: c.5369C>G on transcript NM_001378778.1 (MANE Select); coding-DNA position 5369, C replaced by G.
Protein change: p.Ala1790Gly; replaces alanine 1790 with glycine.
Molecular consequence: missense variant.
Genome position (GRCh38, 1-based): chr9:13,119,512, G>C on the plus strand (C>G on the coding strand, the complement: MPDZ is on the minus strand). VCF-style: chr9-13119512-G-C. GRCh37 (hg19) VCF-style: chr9-13119511-G-C.
Other names: c.5270C>G, p.Ala1757Gly (NM_001261406.2, NM_001261407.2, NM_001375416.1 and 3 more transcripts); c.5369C>G, p.Ala1790Gly (NM_001330637.2, NM_003829.5); c.5468C>G, p.Ala1823Gly (NM_001375413.1); c.5159C>G, p.Ala1720Gly (NM_001375420.1, NM_001375421.1, NM_001375422.1 and 4 more transcripts); c.4961C>G, p.Ala1654Gly (NM_001375427.1); short protein forms A1720G, A1790G, A1823G, A1654G, A1757G.
Identifiers: ClinVar variation 1521560 (VCV001521560.8), dbSNP rs2131517685, ClinGen allele CA372943474.